The following is an entry in ClinVar:

NM_006947.4(SRP72):c.793G>C (p.Val265Leu)

Gene: SRP72 (signal recognition particle 72; plus strand). Cytogenetic location: 4q12.
Variant type: single nucleotide variant.
Coding change: c.793G>C on transcript NM_006947.4 (MANE Select); coding-DNA position 793, G replaced by C.
Protein change: p.Val265Leu; replaces valine 265 with leucine.
Molecular consequence: missense variant. On other transcripts: non-coding transcript variant (1), intron variant (1).
Genome position (GRCh38, 1-based): chr4:56,478,617, G>C. VCF-style: chr4-56478617-G-C. GRCh37 (hg19) VCF-style: chr4-57344783-G-C.
Other names: c.642+1915G>C (NM_001267722.2); short protein forms V265L.
Identifiers: ClinVar variation 3962093 (VCV003962093.1).

ClinVar aggregate classification (germline): Uncertain significance (1 of 4 stars; one submission).

Submission:

Ambry Genetics
Classification: Uncertain significance. Last evaluated: 2025-05-02. Review status: criteria provided, single submitter. Criteria: Ambry Variant Classification Scheme 2023. Collection method: clinical testing. Allele origin: germline.
Comment: The p.V265L variant (also known as c.793G>C), located in coding exon 8 of the SRP72 gene, results from a G to C substitution at nucleotide position 793. The valine at codon 265 is replaced by leucine, an amino acid with highly similar properties. This amino acid position is conserved. In addition, the in silico prediction for this alteration is inconclusive. Based on the available evidence, the clinical significance of this variant remains unclear.